The following is an entry in ClinVar:

NM_033641.4(COL4A6):c.511G>C (p.Gly171Arg)

Gene: COL4A6 (collagen type IV alpha 6 chain; minus strand). Cytogenetic location: Xq22.3.
Variant type: single nucleotide variant.
Coding change: c.511G>C on transcript NM_033641.4 (MANE Select); coding-DNA position 511, G replaced by C.
Protein change: p.Gly171Arg; replaces glycine 171 with arginine.
Molecular consequence: missense variant.
Genome position (GRCh38, 1-based): chrX:108,210,004, C>G on the plus strand (G>C on the coding strand, the complement: COL4A6 is on the minus strand). VCF-style: chrX-108210004-C-G. GRCh37 (hg19) VCF-style: chrX-107453234-C-G.
Other names: c.511G>C, p.Gly171Arg (NM_001287758.2, NM_001287759.2, NM_001287760.2); c.514G>C, p.Gly172Arg (NM_001847.4); short protein forms G171R, G172R.
Identifiers: ClinVar variation 3250380 (VCV003250380.1), dbSNP rs2035656072.

ClinVar aggregate classification (germline): Likely pathogenic (1 of 4 stars; one submission).

Conditions:
Hearing loss, X-linked 6. Also called: Deafness, X-linked 6. Identifiers: Orphanet 90625, MedGen C3806737, MONDO:0010484, OMIM 300914.

Allele frequency attached by ClinVar (database versions not stated): gnomAD exomes below 0.00001; TOPMed below 0.00001.
gnomAD v4.1: 2 of 1,208,501 alleles (0.00017%); highest among the groups gnomAD compares: Middle Eastern, 0.023%; no homozygotes.

Submission:

Laboratory of Prof. Karen Avraham, Tel Aviv University
Classification: Likely pathogenic for Hearing loss, X-linked 6. Last evaluated: 2024-05-01. Review status: criteria provided, single submitter. Criteria: ACMG Guidelines, 2015. Collection method: research. Allele origin: germline. Affected: yes. Observed: 1 variant allele.
Comment: Likely pathogenic by ACMG (PP3-strong, PM2-moderate).

DFNX6, XLR; profound HL